The following is an entry in ClinVar:

NR_001317.3(HCG4B):n.-1429_25883del

Gene: HCG4B (HLA complex group 4B; minus strand). Cytogenetic location: 6p22.1.
Variant type: Deletion.
Identifiers: ClinVar variation 157004 (VCV000157004.2).

ClinVar aggregate classification (germline): not provided (0 of 4 stars; one submission).

Conditions:
Small for gestational age. Also called: Low birth weight. Identifiers: MedGen C0235991, HP:0001518.

Submission:

Institute of Molecular and Cell Biology, University of Tartu
No classification provided. Condition: Small for gestational age. Review status: no classification provided. Collection method: case-control. Allele origin: unknown. Affected: yes. Study: Kasak2014.
Comment: The study aimed to determine the contribution of copy number variants in the genetic etiology of normal and complicated pregnancies. The samples represented (i) maternal blood DNA drawn from healthy pregnant women during 1st or 2nd trimester and (ii) maternal and paternal blood DNA drawn at term pregnancy cases representing normal and complicated gestations (severe preeclampsia, PE; gestational diabetes, GD; small-for-gestational age newborn, SGA; large-for-gestational age newborn, LGA). We performed CNV calling based on genome-wide genotyping dataset (Illumina HumanOmniExpress-24-v1 BeadChip) by applying three algorithms, QuantiSNP, GADA (Genome Alteration Detection Algorithm) and CNstream in parallel. The acquired CNV calls were merged with HD-CNV (Hotspot Detector for Copy Number Variants) program and only the CNVs predicted by at least two programs, were considered in subsequent analysis.

Literature cited by the submitters: PubMed 25666259.